The following is an entry in ClinVar:

ClinVar aggregate classification (germline): Likely benign. Review status: criteria provided, multiple submitters, no conflicts (2 of 4 stars). 2 submissions from 2 submitters: Likely benign (2). Last evaluated 2025-01-23.

Allele frequency attached by ClinVar (database versions not stated): gnomAD exomes 0.00005; ESP Exome Variant Server 0.00008; TOPMed 0.00009; 1000 Genomes Project 0.00020; 1000 Genomes Project 30x 0.00031.
gnomAD v4.1: 79 of 1,614,092 alleles (0.0049%); highest among the groups gnomAD compares: Admixed American, 0.013%; no homozygotes.

Submissions (2):

Labcorp Genetics (formerly Invitae), Labcorp
Classification: Likely benign. Last evaluated: 2025-01-23. Review status: criteria provided, single submitter. Criteria: Invitae Variant Classification Sherloc (09022015). Collection method: clinical testing. Allele origin: germline.

CeGaT Center for Human Genetics Tuebingen
Classification: Likely benign. Last evaluated: 2023-10-01. Review status: criteria provided, single submitter. Criteria: CeGaT Center For Human Genetics Tuebingen Variant Classification Criteria Version 2. Collection method: clinical testing. Allele origin: germline. Affected: yes. Observed: 1 variant allele.
Comment: SPECC1L: BP4, BP7

NM_015330.6(SPECC1L):c.279C>T (p.Thr93=)

Genes: SPECC1L (sperm antigen with calponin homology and coiled-coil domains 1 like; plus strand), SPECC1L-ADORA2A (SPECC1L-ADORA2A readthrough (NMD candidate); plus strand). Cytogenetic location: 22q11.23.
Variant type: single nucleotide variant.
Coding change: c.279C>T on transcript NM_015330.6 (MANE Select); coding-DNA position 279, C replaced by T.
Protein change: p.Thr93=; no amino-acid change (threonine 93 retained).
Molecular consequence: synonymous variant. On other transcripts: non-coding transcript variant (1).
Genome position (GRCh38, 1-based): chr22:24,313,438, C>T. VCF-style: chr22-24313438-C-T. GRCh37 (hg19) VCF-style: chr22-24709406-C-T.
Other names: c.279C>T, p.Thr93= (NM_001145468.4, NM_001254732.3).
Identifiers: ClinVar variation 750494 (VCV000750494.29), dbSNP rs147849517, ClinGen allele CA10151910.
Genomic context (GRCh38, chr22:24,313,438, plus strand): 5'-AGGAAAGAAAAGCACCTGCCCATCTGCAGCACCTTCAGCATCTGCCCCTGCCATGACCAC[C>T]GTGGAGAACAAATCCAAGATTAGCACAGGTAACGGTGACATTCAGTCTGAGACTTCAACT-3'
Protein context (NP_056145.5, residues 83-103): APSASAPAMT[Thr93=]VENKSKISTG